The following is an entry in ClinVar:

NM_000552.5(VWF):c.8008G>A (p.Gly2670Ser)

Gene: VWF (von Willebrand factor; minus strand). Cytogenetic location: 12p13.31.
Variant type: single nucleotide variant.
Coding change: c.8008G>A on transcript NM_000552.5 (MANE Select); coding-DNA position 8008, G replaced by A.
Protein change: p.Gly2670Ser; replaces glycine 2670 with serine.
Molecular consequence: missense variant.
Genome position (GRCh38, 1-based): chr12:5,952,498, C>T on the plus strand (G>A on the coding strand, the complement: VWF is on the minus strand). VCF-style: chr12-5952498-C-T. GRCh37 (hg19) VCF-style: chr12-6061664-C-T.
Other names: short protein forms G2670S.
Identifiers: ClinVar variation 1703812 (VCV001703812.2), dbSNP rs746890802, ClinGen allele CA6401419.
Genomic context (GRCh38, chr12:5,952,498, plus strand): 5'-CCCTCTTCTCCCAGAAGTACTCTCCTCTCTCATTGACCTTGCAGAAGTGAGTATCACAGC[C>T]ATCCTGGAGCGTCTCATCACGCTGGAAGGAAAGAGGAGTGGGTAAAGTCAGAGACAGTGT-3'
Protein context (NP_000543.3, residues 2660-2680): TLKRDETLQD[Gly2670Ser]CDTHFCKVNE

ClinVar aggregate classification (germline): Uncertain significance. Review status: criteria provided, multiple submitters, no conflicts (2 of 4 stars). 2 submissions from 2 submitters: Uncertain significance (2). Last evaluated 2025-09-10.

Conditions:
von Willebrand disease type 1 (VWD1). Also called: VON WILLEBRAND DISEASE, TYPE I; VWD, TYPE 1. Identifiers: Orphanet 166078, Orphanet 903, MedGen C1264039, MONDO:0008668, OMIM 193400. Inheritance: autosomal recessive or autosomal dominant.

Allele frequency attached by ClinVar (database versions not stated): TOPMed 0.00001; ExAC 0.00002.
gnomAD v4.1: 9 of 1,614,024 alleles (0.00056%); highest among the groups gnomAD compares: South Asian, 0.0044%; no homozygotes.

Submissions (2):

Genomic Medicine Center of Excellence, King Faisal Specialist Hospital and Research Centre
Classification: Uncertain significance for von Willebrand disease type 1. Last evaluated: 2025-09-10. Review status: criteria provided, single submitter. Criteria: ACMG Guidelines, 2015. Collection method: clinical testing. Allele origin: germline.

ISTH-SSC Genomics in Thrombosis and Hemostasis, KU Leuven, Center for Molecular and Vascular Biology
Classification: Uncertain significance for von Willebrand disease type 1. Review status: criteria provided, single submitter. Criteria: ACMG Guidelines, 2015. Collection method: clinical testing. Allele origin: germline. Affected: yes. Observed: 1 compound heterozygote.
Comment: Submitted to GoldVariant by Kathleen Freson, Center for Molecular and Vascular Biology, Leuven, Belgium